The following is an entry in ClinVar:

NM_024422.6(DSC2):c.991C>T (p.Gln331Ter)

Gene: DSC2 (desmocollin 2; minus strand). Cytogenetic location: 18q12.1.
Variant type: single nucleotide variant.
Coding change: c.991C>T on transcript NM_024422.6 (MANE Select); coding-DNA position 991, C replaced by T.
Protein change: p.Gln331Ter; replaces glutamine 331 with a stop codon.
Molecular consequence: nonsense.
Genome position (GRCh38, 1-based): chr18:31,083,012, G>A on the plus strand (C>T on the coding strand, the complement: DSC2 is on the minus strand). VCF-style: chr18-31083012-G-A. GRCh37 (hg19) VCF-style: chr18-28662978-G-A.
Other names: c.562C>T, p.Gln188Ter (NM_001406506.1, NM_001406507.1); c.991C>T, p.Gln331Ter (NM_004949.5); short protein forms Q188*, Q331*.
Identifiers: ClinVar variation 2024891 (VCV002024891.4), dbSNP rs2510948963, ClinGen allele CA402110786.

ClinVar aggregate classification (germline): Pathogenic (1 of 4 stars; one submission).

Conditions:
Arrhythmogenic right ventricular dysplasia 11. Also called: Arrhythmogenic Right Ventricular Dysplasia/Cardiomyopathy11; ARRHYTHMOGENIC RIGHT VENTRICULAR DYSPLASIA, FAMILIAL, 11; Arrhythmogenic right ventricular dysplasia 11 with mild palmoplantar keratoderma and woolly hair. Identifiers: MedGen C1864850, MONDO:0012506, OMIM 610476.

Submission:

Labcorp Genetics (formerly Invitae), Labcorp
Classification: Pathogenic for Arrhythmogenic right ventricular dysplasia 11. Last evaluated: 2022-08-19. Review status: criteria provided, single submitter. Criteria: Invitae Variant Classification Sherloc (09022015). Collection method: clinical testing. Allele origin: germline.
Comment: For these reasons, this variant has been classified as Pathogenic. Algorithms developed to predict the effect of sequence changes on RNA splicing suggest that this variant may create or strengthen a splice site. This variant has not been reported in the literature in individuals affected with DSC2-related conditions. This variant is not present in population databases (gnomAD no frequency). This sequence change creates a premature translational stop signal (p.Gln331*) in the DSC2 gene. It is expected to result in an absent or disrupted protein product. Loss-of-function variants in DSC2 are known to be pathogenic (PMID: 23911551).

Literature cited by the submitters: PubMed 23911551.